The following is an entry in ClinVar:

ClinVar aggregate classification (germline): Uncertain significance. Review status: criteria provided, multiple submitters, no conflicts (2 of 4 stars). 3 submissions from 3 submitters: Uncertain significance (3). Last evaluated 2025-04-09.

Conditions:
Cardiovascular phenotype. Identifiers: MedGen CN230736.
Catecholaminergic polymorphic ventricular tachycardia 1. Also called: VENTRICULAR TACHYCARDIA, CATECHOLAMINERGIC POLYMORPHIC, 1, WITH OR WITHOUT ATRIAL DYSFUNCTION AND/OR DILATED CARDIOMYOPATHY; VENTRICULAR TACHYCARDIA, STRESS-INDUCED POLYMORPHIC 1; RYR2-Related Catecholaminergic Polymorphic Ventricular Tachycardia. Identifiers: Orphanet 3286, MedGen C1631597, MONDO:0011484, OMIM 604772.

Submissions (3):

Molecular Diagnostic Laboratory for Inherited Cardiovascular Disease, Montreal Heart Institute
Classification: Uncertain significance for Cardiovascular phenotype. Last evaluated: 2025-04-09. Review status: criteria provided, single submitter. Criteria: ACMG Guidelines, 2015. Collection method: clinical testing. Allele origin: germline. Affected: yes.

Labcorp Genetics (formerly Invitae), Labcorp
Classification: Uncertain significance for Catecholaminergic polymorphic ventricular tachycardia 1. Last evaluated: 2023-11-11. Review status: criteria provided, single submitter. Criteria: Invitae Variant Classification Sherloc (09022015). Collection method: clinical testing. Allele origin: germline.
Comment: This sequence change replaces alanine, which is neutral and non-polar, with valine, which is neutral and non-polar, at codon 1000 of the RYR2 protein (p.Ala1000Val). This variant is not present in population databases (gnomAD no frequency). This variant has not been reported in the literature in individuals affected with RYR2-related conditions. ClinVar contains an entry for this variant (Variation ID: 2255303). Advanced modeling of protein sequence and biophysical properties (such as structural, functional, and spatial information, amino acid conservation, physicochemical variation, residue mobility, and thermodynamic stability) performed at Invitae indicates that this missense variant is expected to disrupt RYR2 protein function with a positive predictive value of 95%. In summary, the available evidence is currently insufficient to determine the role of this variant in disease. Therefore, it has been classified as a Variant of Uncertain Significance.

Ambry Genetics
Classification: Uncertain significance for Cardiovascular phenotype. Last evaluated: 2021-12-15. Review status: criteria provided, single submitter. Criteria: Ambry Variant Classification Scheme 2023. Collection method: clinical testing. Allele origin: germline.

NM_001035.3(RYR2):c.2999C>T (p.Ala1000Val)

Gene: RYR2 (ryanodine receptor 2; plus strand). Cytogenetic location: 1q43.
Variant type: single nucleotide variant.
Coding change: c.2999C>T on transcript NM_001035.3 (MANE Select); coding-DNA position 2999, C replaced by T.
Protein change: p.Ala1000Val; replaces alanine 1000 with valine.
Molecular consequence: missense variant.
Genome position (GRCh38, 1-based): chr1:237,548,523, C>T. VCF-style: chr1-237548523-C-T. GRCh37 (hg19) VCF-style: chr1-237711823-C-T.
Other names: short protein forms A1000V.
Identifiers: ClinVar variation 2255303 (VCV002255303.6), dbSNP rs2546277259, ClinGen allele CA345393617.